The following is an entry in ClinVar:

NM_001351132.2(PEX5):c.34G>A (p.Gly12Arg)

Gene: PEX5 (peroxisomal biogenesis factor 5; plus strand). Cytogenetic location: 12p13.31.
Variant type: single nucleotide variant.
Coding change: c.34G>A on transcript NM_001351132.2 (MANE Select); coding-DNA position 34, G replaced by A.
Protein change: p.Gly12Arg; replaces glycine 12 with arginine.
Molecular consequence: missense variant.
Genome position (GRCh38, 1-based): chr12:7,190,411, G>A. VCF-style: chr12-7190411-G-A. GRCh37 (hg19) VCF-style: chr12-7343007-G-A.
Other names: c.34G>A, p.Gly12Arg (NM_000319.5, NM_001131023.2, NM_001131024.2 and 22 more transcripts); short protein forms G12R.
Identifiers: ClinVar variation 93581 (VCV000093581.10), dbSNP rs398123571, ClinGen allele CA221515.

ClinVar aggregate classification (germline): Uncertain significance. Review status: criteria provided, multiple submitters, no conflicts (2 of 4 stars). 3 submissions from 3 submitters: Uncertain significance (3). Last evaluated 2025-10-22.

Conditions:
Inborn genetic diseases. Identifiers: MedGen C0950123, MeSH D030342.
Peroxisome biogenesis disorder 2B (PBD2B). Identifiers: Orphanet 44, MedGen C3550234, MONDO:0008736, OMIM 202370.

Allele frequency attached by ClinVar (database versions not stated): gnomAD 0.00001; TOPMed 0.00002.
gnomAD v4.1: 4 of 1,614,092 alleles (0.00025%); highest among the groups gnomAD compares: African/African-American, 0.0013%; no homozygotes.

Submissions (3):

Ambry Genetics
Classification: Uncertain significance for Inborn genetic diseases. Last evaluated: 2025-10-22. Review status: criteria provided, single submitter. Criteria: Ambry Variant Classification Scheme 2023. Collection method: clinical testing. Allele origin: germline.

Labcorp Genetics (formerly Invitae), Labcorp
Classification: Uncertain significance for Peroxisome biogenesis disorder 2B. Last evaluated: 2024-10-29. Review status: criteria provided, single submitter. Criteria: Invitae Variant Classification Sherloc (09022015). Collection method: clinical testing. Allele origin: germline.
Comment: This sequence change replaces glycine, which is neutral and non-polar, with arginine, which is basic and polar, at codon 12 of the PEX5 protein (p.Gly12Arg). This variant is not present in population databases (gnomAD no frequency). This variant has not been reported in the literature in individuals affected with PEX5-related conditions. ClinVar contains an entry for this variant (Variation ID: 93581). An algorithm developed to predict the effect of missense changes on protein structure and function (PolyPhen-2) suggests that this variant is likely to be disruptive. In summary, the available evidence is currently insufficient to determine the role of this variant in disease. Therefore, it has been classified as a Variant of Uncertain Significance.

Eurofins Ntd Llc (ga)
Classification: Uncertain significance. Last evaluated: 2013-03-11. Review status: criteria provided, single submitter. Criteria: EGL Classification Definitions 2015. Collection method: clinical testing. Allele origin: germline. Observed: 1 variant allele, 1 heterozygote.